The following is an entry in ClinVar:

ClinVar aggregate classification (germline): Uncertain significance (1 of 4 stars; one submission).

Conditions:
Developmental and epileptic encephalopathy, 36 (DEE36). Also called: Congenital disorder of glycosylation, type Is; ALG13-CDG; Epileptic encephalopathy, early infantile, 36. Identifiers: Orphanet 324422, MedGen C4317295, MONDO:0010472, OMIM 300884.

gnomAD v4.1: 1 of 1,210,922 alleles (0.000083%); highest among the groups gnomAD compares: Non-Finnish European, 0.00011%; no homozygotes.

Submission:

Labcorp Genetics (formerly Invitae), Labcorp
Classification: Uncertain significance for Developmental and epileptic encephalopathy, 36. Last evaluated: 2024-04-12. Review status: criteria provided, single submitter. Criteria: Invitae Variant Classification Sherloc (09022015). Collection method: clinical testing. Allele origin: germline.
Comment: This sequence change replaces glycine, which is neutral and non-polar, with aspartic acid, which is acidic and polar, at codon 1081 of the ALG13 protein (p.Gly1081Asp). This variant is present in population databases (rs769587504, gnomAD 0.001%). This variant has not been reported in the literature in individuals affected with ALG13-related conditions. An algorithm developed to predict the effect of missense changes on protein structure and function (PolyPhen-2) suggests that this variant is likely to be disruptive. In summary, the available evidence is currently insufficient to determine the role of this variant in disease. Therefore, it has been classified as a Variant of Uncertain Significance.

NM_001099922.3(ALG13):c.3242G>A (p.Gly1081Asp)

Gene: ALG13 (ALG13 UDP-N-acetylglucosaminyltransferase subunit; plus strand). Cytogenetic location: Xq23.
Variant type: single nucleotide variant.
Coding change: c.3242G>A on transcript NM_001099922.3 (MANE Select); coding-DNA position 3242, G replaced by A.
Protein change: p.Gly1081Asp; replaces glycine 1081 with aspartic acid.
Molecular consequence: missense variant. On other transcripts: non-coding transcript variant (1).
Genome position (GRCh38, 1-based): chrX:111,759,827, G>A. VCF-style: chrX-111759827-G-A. GRCh37 (hg19) VCF-style: chrX-111003055-G-A.
Other names: c.3008G>A, p.Gly1003Asp (NM_001257231.2); c.2693G>A, p.Gly898Asp (NM_001257234.2, NM_001257237.2, NM_001257230.2); c.2519G>A, p.Gly840Asp (NM_001324293.1); c.3005G>A, p.Gly1002Asp (NM_001324292.2); short protein forms G840D, G1002D, G1003D, G1081D, G898D.
Identifiers: ClinVar variation 3669369 (VCV003669369.2).